The following is an entry in ClinVar:

NM_000075.4(CDK4):c.348G>T (p.Thr116=)

Gene: CDK4 (cyclin dependent kinase 4; minus strand). Cytogenetic location: 12q14.1.
Variant type: single nucleotide variant.
Coding change: c.348G>T on transcript NM_000075.4 (MANE Select); coding-DNA position 348, G replaced by T.
Protein change: p.Thr116=; no amino-acid change (threonine 116 retained).
Molecular consequence: synonymous variant.
Genome position (GRCh38, 1-based): chr12:57,751,213, C>A on the plus strand (G>T on the coding strand, the complement: CDK4 is on the minus strand). VCF-style: chr12-57751213-C-A. GRCh37 (hg19) VCF-style: chr12-58144996-C-A.
Other names: c.348G>T (NM_000075.3).
Identifiers: ClinVar variation 3378599 (VCV003378599.4).

ClinVar aggregate classification (germline): Benign/Likely benign. Review status: criteria provided, multiple submitters, no conflicts (2 of 4 stars). 3 submissions from 3 submitters: Benign (1); Likely benign (2). Last evaluated 2025-03-03.

Conditions:
Hereditary cancer-predisposing syndrome. Also called: Neoplastic Syndromes, Hereditary; Tumor predisposition; Hereditary Cancer Syndrome; Hereditary neoplastic syndrome. Identifiers: Orphanet 140162, MedGen C0027672, MeSH D009386, MONDO:0015356.
Melanoma, cutaneous malignant, susceptibility to, 3. Also called: Cutaneous malignant melanoma 3. Identifiers: Orphanet 618, MedGen C1836892, MONDO:0012183, OMIM 609048.
Familial melanoma. Also called: Hereditary melanoma; Hereditary cutaneous melanoma. Identifiers: Orphanet 618, MedGen C1512419, MONDO:0018961.

Submissions (3):

Labcorp Genetics (formerly Invitae), Labcorp
Classification: Likely benign for Familial melanoma. Last evaluated: 2025-03-03. Review status: criteria provided, single submitter. Criteria: Invitae Variant Classification Sherloc (09022015). Collection method: clinical testing. Allele origin: germline.

Myriad Genetics, Inc.
Classification: Benign for Melanoma, cutaneous malignant, susceptibility to, 3. Last evaluated: 2024-09-25. Review status: criteria provided, single submitter. Criteria: Myriad Autosomal Dominant, Autosomal Recessive and X-Linked Classification Criteria (2023). Collection method: clinical testing. Allele origin: unknown.
Comment: This variant is considered benign. This variant is a silent/synonymous amino acid change and it is not expected to impact splicing.

Ambry Genetics
Classification: Likely benign for Hereditary cancer-predisposing syndrome. Last evaluated: 2024-07-31. Review status: criteria provided, single submitter. Criteria: Ambry Variant Classification Scheme 2023. Collection method: clinical testing. Allele origin: germline.